The following is an entry in ClinVar:

ClinVar aggregate classification (germline): Uncertain significance (1 of 4 stars; one submission).

Conditions:
Developmental and epileptic encephalopathy 94 (DEE94). Also called: CHD2-Related Neurodevelopmental Disorders; Epileptic encephalopathy, childhood-onset. Identifiers: Orphanet 1942, Orphanet 2382, MedGen C3809278, MONDO:0014150, OMIM 615369.

Submission:

Labcorp Genetics (formerly Invitae), Labcorp
Classification: Uncertain significance for Developmental and epileptic encephalopathy 94. Last evaluated: 2018-12-24. Review status: criteria provided, single submitter. Criteria: Invitae Variant Classification Sherloc (09022015). Collection method: clinical testing. Allele origin: germline.
Comment: This variant has not been reported in the literature in individuals with CHD2-related conditions. This variant is not present in population databases (ExAC no frequency). This sequence change replaces alanine with threonine at codon 901 of the CHD2 protein (p.Ala901Thr). The alanine residue is highly conserved and there is a small physicochemical difference between alanine and threonine. Algorithms developed to predict the effect of missense changes on protein structure and function (SIFT, PolyPhen-2, Align-GVGD) all suggest that this variant is likely to be disruptive, but these predictions have not been confirmed by published functional studies and their clinical significance is uncertain. In summary, the available evidence is currently insufficient to determine the role of this variant in disease. Therefore, it has been classified as a Variant of Uncertain Significance.

NM_001271.4(CHD2):c.2701G>A (p.Ala901Thr)

Gene: CHD2 (chromodomain helicase DNA binding protein 2; plus strand). Cytogenetic location: 15q26.1.
Variant type: single nucleotide variant.
Coding change: c.2701G>A on transcript NM_001271.4 (MANE Select); coding-DNA position 2701, G replaced by A.
Protein change: p.Ala901Thr; replaces alanine 901 with threonine.
Molecular consequence: missense variant.
Genome position (GRCh38, 1-based): chr15:92,978,357, G>A. VCF-style: chr15-92978357-G-A. GRCh37 (hg19) VCF-style: chr15-93521587-G-A.
Other names: short protein forms A901T.
Identifiers: ClinVar variation 639651 (VCV000639651.9), dbSNP rs1596427988, ClinGen allele CA393893921.